The following is an entry in ClinVar:

NM_006766.5(KAT6A):c.1322A>G (p.Lys441Arg)

Gene: KAT6A (lysine acetyltransferase 6A; minus strand). Cytogenetic location: 8p11.21.
Variant type: single nucleotide variant.
Coding change: c.1322A>G on transcript NM_006766.5 (MANE Select); coding-DNA position 1322, A replaced by G.
Protein change: p.Lys441Arg; replaces lysine 441 with arginine.
Molecular consequence: missense variant.
Genome position (GRCh38, 1-based): chr8:41,977,049, T>C on the plus strand (A>G on the coding strand, the complement: KAT6A is on the minus strand). VCF-style: chr8-41977049-T-C. GRCh37 (hg19) VCF-style: chr8-41834567-T-C.
Other names: c.1322A>G, p.Lys441Arg (NM_001305878.2); short protein forms K441R.
Identifiers: ClinVar variation 4747350 (VCV004747350.1).

ClinVar aggregate classification (germline): Uncertain significance (1 of 4 stars; one submission).

Submission:

Labcorp Genetics (formerly Invitae), Labcorp
Classification: Uncertain significance. Last evaluated: 2025-02-26. Review status: criteria provided, single submitter. Criteria: Invitae Variant Classification Sherloc (09022015). Collection method: clinical testing. Allele origin: germline.
Comment: This sequence change replaces lysine, which is basic and polar, with arginine, which is basic and polar, at codon 441 of the KAT6A protein (p.Lys441Arg). This variant is not present in population databases (gnomAD no frequency). This variant has not been reported in the literature in individuals affected with KAT6A-related conditions. Invitae Evidence Modeling of protein sequence and biophysical properties (such as structural, functional, and spatial information, amino acid conservation, physicochemical variation, residue mobility, and thermodynamic stability) indicates that this missense variant is not expected to disrupt KAT6A protein function with a negative predictive value of 95%. In summary, the available evidence is currently insufficient to determine the role of this variant in disease. Therefore, it has been classified as a Variant of Uncertain Significance.